The following is an entry in ClinVar:

NM_000326.5(RLBP1):c.167_168dup (p.Glu57fs)

Gene: RLBP1 (retinaldehyde binding protein 1; minus strand). Cytogenetic location: 15q26.1.
Variant type: Microsatellite.
Coding change: c.167_168dup on transcript NM_000326.5 (MANE Select); coding-DNA positions 167 to 168, 2 bases duplicated (AG; older notation c.167_168dupAG).
Protein change: p.Glu57fs; shifts the reading frame from glutamic acid 57.
Molecular consequence: frameshift variant.
Genome position (GRCh38, 1-based): chr15:89,217,298-89,217,299, CT duplicated on the plus strand (AG on the coding strand, the reverse complement: RLBP1 is on the minus strand); duplicating any 2 consecutive bases within chr15:89,217,298-89,217,306 gives the same sequence; the c. name uses the placement nearest the transcript's 3' end. VCF-style (leftmost placement, unchanged base first): chr15-89217297-C-CCT. GRCh37 (hg19) VCF-style: chr15-89760528-C-CCT.
Other names: short protein forms E57fs.
Identifiers: ClinVar variation 3641145 (VCV003641145.2).

ClinVar aggregate classification (germline): Pathogenic (1 of 4 stars; one submission).

Submission:

Labcorp Genetics (formerly Invitae), Labcorp
Classification: Pathogenic. Last evaluated: 2024-02-16. Review status: criteria provided, single submitter. Criteria: Invitae Variant Classification Sherloc (09022015). Collection method: clinical testing. Allele origin: germline.
Comment: This sequence change creates a premature translational stop signal (p.Glu57Argfs*63) in the RLBP1 gene. It is expected to result in an absent or disrupted protein product. Loss-of-function variants in RLBP1 are known to be pathogenic (PMID: 2392416, 11301032, 21447491, 25429852). This variant is not present in population databases (gnomAD no frequency). This variant has not been reported in the literature in individuals affected with RLBP1-related conditions. For these reasons, this variant has been classified as Pathogenic.

Literature cited by the submitters: PubMed 2392416; PubMed 11301032; PubMed 21447491; PubMed 25429852.